The following is an entry in ClinVar:

ClinVar aggregate classification (germline): Uncertain significance (1 of 4 stars; one submission).

Conditions:
Hereditary cancer-predisposing syndrome. Also called: Tumor predisposition; Hereditary Cancer Syndrome; Hereditary neoplastic syndrome; Neoplastic Syndromes, Hereditary. Identifiers: Orphanet 140162, MedGen C0027672, MeSH D009386, MONDO:0015356.

Submission:

Labcorp Genetics (formerly Invitae), Labcorp
Classification: Uncertain significance for Hereditary cancer-predisposing syndrome. Last evaluated: 2024-04-15. Review status: criteria provided, single submitter. Criteria: Invitae Variant Classification Sherloc (09022015). Collection method: clinical testing. Allele origin: germline.
Comment: This sequence change replaces arginine, which is basic and polar, with leucine, which is neutral and non-polar, at codon 763 of the RAD50 protein (p.Arg763Leu). This variant is not present in population databases (gnomAD no frequency). This variant has not been reported in the literature in individuals affected with RAD50-related conditions. ClinVar contains an entry for this variant (Variation ID: 1480795). Advanced modeling of protein sequence and biophysical properties (such as structural, functional, and spatial information, amino acid conservation, physicochemical variation, residue mobility, and thermodynamic stability) has been performed at Invitae for this missense variant, however the output from this modeling did not meet the statistical confidence thresholds required to predict the impact of this variant on RAD50 protein function. In summary, the available evidence is currently insufficient to determine the role of this variant in disease. Therefore, it has been classified as a Variant of Uncertain Significance.

NM_005732.4(RAD50):c.2288G>T (p.Arg763Leu)

Gene: RAD50 (RAD50 double strand break repair protein; plus strand). Cytogenetic location: 5q31.1.
Variant type: single nucleotide variant.
Coding change: c.2288G>T on transcript NM_005732.4 (MANE Select); coding-DNA position 2288, G replaced by T.
Protein change: p.Arg763Leu; replaces arginine 763 with leucine.
Molecular consequence: missense variant.
Genome position (GRCh38, 1-based): chr5:132,603,380, G>T. VCF-style: chr5-132603380-G-T. GRCh37 (hg19) VCF-style: chr5-131939072-G-T.
Other names: short protein forms R763L.
Identifiers: ClinVar variation 1480795 (VCV001480795.8), dbSNP rs141989813, ClinGen allele CA360954372.